The following is an entry in ClinVar:

ClinVar aggregate classification (germline): Uncertain significance (1 of 4 stars; one submission).

Allele frequency attached by ClinVar (database versions not stated): gnomAD exomes below 0.00001.
gnomAD v4.1: 1 of 1,613,982 alleles (0.000062%); highest among the groups gnomAD compares: Non-Finnish European, 0.000085%; no homozygotes.

Submission:

Labcorp Genetics (formerly Invitae), Labcorp
Classification: Uncertain significance. Last evaluated: 2022-11-29. Review status: criteria provided, single submitter. Criteria: Invitae Variant Classification Sherloc (09022015). Collection method: clinical testing. Allele origin: germline.
Comment: This variant has not been reported in the literature in individuals affected with HMCN1-related conditions. This sequence change replaces leucine, which is neutral and non-polar, with phenylalanine, which is neutral and non-polar, at codon 4038 of the HMCN1 protein (p.Leu4038Phe). This variant is not present in population databases (gnomAD no frequency). Algorithms developed to predict the effect of missense changes on protein structure and function are either unavailable or do not agree on the potential impact of this missense change (SIFT: "Deleterious"; PolyPhen-2: "Possibly Damaging"; Align-GVGD: "Class C15"). In summary, the available evidence is currently insufficient to determine the role of this variant in disease. Therefore, it has been classified as a Variant of Uncertain Significance.

NM_031935.3(HMCN1):c.12112C>T (p.Leu4038Phe)

Gene: HMCN1 (hemicentin 1; plus strand). Cytogenetic location: 1q31.1.
Variant type: single nucleotide variant.
Coding change: c.12112C>T on transcript NM_031935.3 (MANE Select); coding-DNA position 12112, C replaced by T.
Protein change: p.Leu4038Phe; replaces leucine 4038 with phenylalanine.
Molecular consequence: missense variant.
Genome position (GRCh38, 1-based): chr1:186,120,028, C>T. VCF-style: chr1-186120028-C-T. GRCh37 (hg19) VCF-style: chr1-186089160-C-T.
Other names: short protein forms L4038F.
Identifiers: ClinVar variation 2132384 (VCV002132384.4), dbSNP rs2528027488, ClinGen allele CA343948953.